The following is an entry in ClinVar:

ClinVar aggregate classification (germline): Uncertain significance. Review status: criteria provided, multiple submitters, no conflicts (2 of 4 stars). 2 submissions from 2 submitters: Uncertain significance (2). Last evaluated 2022-03-10.

Allele frequency attached by ClinVar (database versions not stated): gnomAD 0.00002 and 0.00003; TOPMed 0.00002; ExAC 0.00004; gnomAD exomes 0.00004; ESP Exome Variant Server 0.00008.
gnomAD v4.1: 56 of 1,613,452 alleles (0.0035%); highest among the groups gnomAD compares: South Asian, 0.018%; no homozygotes.

Submissions (2):

GeneDx
Classification: Uncertain significance. Last evaluated: 2022-03-10. Review status: criteria provided, single submitter. Criteria: GeneDx Variant Classification Process June 2021. Collection method: clinical testing. Allele origin: germline. Affected: yes.
Comment: In silico analysis supports that this missense variant has a deleterious effect on protein structure/function; Has not been previously published as pathogenic or benign to our knowledge

Laboratory for Molecular Medicine, Mass General Brigham Personalized Medicine
Classification: Uncertain significance. Last evaluated: 2014-09-09. Review status: criteria provided, single submitter. Criteria: LMM Criteria. Collection method: clinical testing. Allele origin: germline. Observed: 1 variant allele.
Comment: The Arg3271His variant in MYO15A has not been previously reported in individuals with hearing loss, but has been identified 1/4142 of African American chromosom es by the NHLBI Exome Sequencing Project (dbS NP rs373295633). Although this variant has been seen in the general population, its frequency is not high enough to rule out a pathogenic role. Arginine (Arg) at position 3271 is not conserved in mammals or evolutionarily distant species, raising the possibility that a change at this position may be tolerated. Addit ional computational prediction tools do not provide strong support for or agains t an impact to the protein. In summary, the clinical significance of the Arg3271 His variant is uncertain.

NM_016239.4(MYO15A):c.9812G>A (p.Arg3271His)

Gene: MYO15A (myosin XVA; plus strand). Cytogenetic location: 17p11.2.
Variant type: single nucleotide variant.
Coding change: c.9812G>A on transcript NM_016239.4 (MANE Select); coding-DNA position 9812, G replaced by A.
Protein change: p.Arg3271His; replaces arginine 3271 with histidine.
Molecular consequence: missense variant.
Genome position (GRCh38, 1-based): chr17:18,166,385, G>A. VCF-style: chr17-18166385-G-A. GRCh37 (hg19) VCF-style: chr17-18069699-G-A.
Other names: short protein forms R3271H.
Identifiers: ClinVar variation 164567 (VCV000164567.6), dbSNP rs373295633, ClinGen allele CA177277.